The following is an entry in ClinVar:

NM_000158.4(GBE1):c.22G>T (p.Ala8Ser)

Gene: GBE1 (1,4-alpha-glucan branching enzyme 1; minus strand). Cytogenetic location: 3p12.2.
Variant type: single nucleotide variant.
Coding change: c.22G>T on transcript NM_000158.4 (MANE Select); coding-DNA position 22, G replaced by T.
Protein change: p.Ala8Ser; replaces alanine 8 with serine.
Molecular consequence: missense variant.
Genome position (GRCh38, 1-based): chr3:81,761,496, C>A on the plus strand (G>T on the coding strand, the complement: GBE1 is on the minus strand). VCF-style: chr3-81761496-C-A. GRCh37 (hg19) VCF-style: chr3-81810647-C-A.
Other names: short protein forms A8S.
Identifiers: ClinVar variation 1396353 (VCV001396353.6), dbSNP rs1297879927, ClinGen allele CA353687075.

ClinVar aggregate classification (germline): Uncertain significance (1 of 4 stars; one submission).

Conditions:
Glycogen storage disease IV, classic hepatic. Also called: GSD IV, CLASSIC HEPATIC. Identifiers: MedGen C1856301.
Glycogen storage disease, type IV (GSD4). Also called: BRANCHER DEFICIENCY; AMYLOPECTINOSIS; ANDERSEN DISEASE; CIRRHOSIS, FAMILIAL, WITH DEPOSITION OF ABNORMAL GLYCOGEN; GBE1 DEFICIENCY; GLYCOGEN BRANCHING ENZYME DEFICIENCY. Identifiers: Orphanet 367, MedGen C0017923, MONDO:0009292, OMIM 232500.

Allele frequency attached by ClinVar (database versions not stated): gnomAD exomes below 0.00001.
gnomAD v4.1: 2 of 1,600,954 alleles (0.00012%); highest among the groups gnomAD compares: Non-Finnish European, 0.000085%; no homozygotes.

Submission:

Labcorp Genetics (formerly Invitae), Labcorp
Classification: Uncertain significance for Glycogen storage disease, type IV; Glycogen storage disease IV, classic hepatic. Last evaluated: 2024-02-17. Review status: criteria provided, single submitter. Criteria: Invitae Variant Classification Sherloc (09022015). Collection method: clinical testing. Allele origin: germline.
Comment: This sequence change replaces alanine, which is neutral and non-polar, with serine, which is neutral and polar, at codon 8 of the GBE1 protein (p.Ala8Ser). This variant is not present in population databases (gnomAD no frequency). This variant has not been reported in the literature in individuals affected with GBE1-related conditions. ClinVar contains an entry for this variant (Variation ID: 1396353). Advanced modeling of protein sequence and biophysical properties (such as structural, functional, and spatial information, amino acid conservation, physicochemical variation, residue mobility, and thermodynamic stability) performed at Invitae indicates that this missense variant is not expected to disrupt GBE1 protein function with a negative predictive value of 95%. In summary, the available evidence is currently insufficient to determine the role of this variant in disease. Therefore, it has been classified as a Variant of Uncertain Significance.